The following is an entry in ClinVar:

NM_058216.3(RAD51C):c.1026+5G>A

Gene: RAD51C (RAD51 paralog C; plus strand). Cytogenetic location: 17q22.
Variant type: single nucleotide variant.
Coding change: c.1026+5G>A on transcript NM_058216.3 (MANE Select); 5 bases into the intron after coding-DNA position 1026, G replaced by A.
Molecular consequence: intron variant.
Genome position (GRCh38, 1-based): chr17:58,732,549, G>A. VCF-style: chr17-58732549-G-A. GRCh37 (hg19) VCF-style: chr17-56809910-G-A.
Identifiers: ClinVar variation 4680786 (VCV004680786.1).

ClinVar aggregate classification (germline): Likely pathogenic (1 of 4 stars; one submission).

Conditions:
Hereditary cancer-predisposing syndrome. Also called: Neoplastic Syndromes, Hereditary; Tumor predisposition; Hereditary Cancer Syndrome; Hereditary neoplastic syndrome. Identifiers: Orphanet 140162, MedGen C0027672, MeSH D009386, MONDO:0015356.

Submission:

Ambry Genetics
Classification: Likely pathogenic for Hereditary cancer-predisposing syndrome. Last evaluated: 2025-09-26. Review status: criteria provided, single submitter. Criteria: Ambry Variant Classification Scheme 2023. Collection method: clinical testing. Allele origin: germline.
Comment: The c.1026+5G>A intronic variant results from a G to A substitution 5 nucleotides after coding exon 8 in the RAD51C gene. In a homology-directed DNA repair (HDR) assay, this alteration showed a functionally abnormal read-out (Olvera-Le&oacute;n R et al. Cell, 2024 Oct;187:5719-5734.e19). This nucleotide position is highly conserved in available vertebrate species. In silico splice site analysis predicts that this alteration will weaken the native splice donor site. This variant is considered to be rare based on population cohorts in the Genome Aggregation Database (gnomAD). Based on the majority of available evidence to date, this variant is likely to be pathogenic.

Literature cited by the submitters: PubMed 39299233.